The following is an entry in ClinVar:

NM_015602.4(TOR1AIP1):c.838+3A>G

Gene: TOR1AIP1 (torsin 1A interacting protein 1; plus strand). Cytogenetic location: 1q25.2.
Variant type: single nucleotide variant.
Coding change: c.838+3A>G on transcript NM_015602.4 (MANE Select); 3 bases into the intron after coding-DNA position 838, A replaced by G.
Molecular consequence: intron variant.
Genome position (GRCh38, 1-based): chr1:179,907,867, A>G. VCF-style: chr1-179907867-A-G. GRCh37 (hg19) VCF-style: chr1-179877002-A-G.
Other names: p.?; c.841+3A>G (NM_001267578.2).
Identifiers: ClinVar variation 652615 (VCV000652615.11), dbSNP rs139072070, ClinGen allele CA1268971.
Genomic context (GRCh38, chr1:179,907,867, plus strand): 5'-CTGTTTTCTGTTTCAGGTCAAAACTTCACAGCTCATGATAAGCAACCTTCAGTGCTAAGT[A>G]AGTAGTTGGTTGTCTGCTCTTTTTTCAGCCAATCAATTCTTTTCTCTTTTTTTTTTTTTT-3'

ClinVar aggregate classification (germline): Uncertain significance. Review status: criteria provided, multiple submitters, no conflicts (2 of 4 stars). 4 submissions from 4 submitters: Uncertain significance (4). Last evaluated 2026-02-12.

Conditions:
Autosomal recessive limb-girdle muscular dystrophy type 2Y (MRRSDC). Also called: Muscular dystrophy, limb-girdle, type 2y; Muscular dystrophy, autosomal recessive, with rigid spine and distal joint contractures. Identifiers: Orphanet 424261, MedGen C4511482, MONDO:0014900, OMIM 617072.

Allele frequency attached by ClinVar (database versions not stated): gnomAD exomes 0.00010 and 0.00005; gnomAD 0.00015 and 0.00014; 1000 Genomes Project 0.00020; ExAC 0.00003; 1000 Genomes Project 30x 0.00016; TOPMed 0.00021.
gnomAD v4.1: 99 of 1,557,364 alleles (0.0064%); highest among the groups gnomAD compares: Middle Eastern, 0.1%; no homozygotes.

Submissions (4):

GeneDx
Classification: Uncertain significance. Last evaluated: 2026-02-12. Review status: criteria provided, single submitter. Criteria: GeneDx Variant Classification Process June 2021. Collection method: clinical testing. Allele origin: germline. Affected: yes.
Comment: In silico analysis suggests that this variant does not alter splicing; This variant is associated with the following publications: (PMID: 33820833)

Mayo Clinic Laboratories, Mayo Clinic
Classification: Uncertain significance. Last evaluated: 2025-04-14. Review status: criteria provided, single submitter. Criteria: ACMG Guidelines, 2015. Collection method: clinical testing. Allele origin: germline. Observed: 1 variant allele.
Comment: BS1, BP4, PM3_supporting

Genome-Nilou Lab
Classification: Uncertain significance for Autosomal recessive limb-girdle muscular dystrophy type 2Y. Last evaluated: 2023-04-11. Review status: criteria provided, single submitter. Criteria: ACMG Guidelines, 2015. Collection method: clinical testing. Allele origin: germline. Affected: no.

Labcorp Genetics (formerly Invitae), Labcorp
Classification: Uncertain significance for Autosomal recessive limb-girdle muscular dystrophy type 2Y. Last evaluated: 2022-08-09. Review status: criteria provided, single submitter. Criteria: Invitae Variant Classification Sherloc (09022015). Collection method: clinical testing. Allele origin: germline.
Comment: This sequence change falls in intron 7 of the TOR1AIP1 gene. It does not directly change the encoded amino acid sequence of the TOR1AIP1 protein. It affects a nucleotide within the consensus splice site. This variant is present in population databases (rs139072070, gnomAD 0.05%). This variant has not been reported in the literature in individuals affected with TOR1AIP1-related conditions. ClinVar contains an entry for this variant (Variation ID: 652615). Variants that disrupt the consensus splice site are a relatively common cause of aberrant splicing (PMID: 17576681, 9536098). Algorithms developed to predict the effect of sequence changes on RNA splicing suggest that this variant is not likely to affect RNA splicing. In summary, the available evidence is currently insufficient to determine the role of this variant in disease. Therefore, it has been classified as a Variant of Uncertain Significance.

Literature cited by the submitters: PubMed 33820833 (cited by Mayo Clinic Laboratories, Mayo Clinic); PubMed 17576681 (cited by Labcorp Genetics (formerly Invitae), Labcorp); PubMed 9536098 (cited by Labcorp Genetics (formerly Invitae), Labcorp).